The following is an entry in ClinVar:

ClinVar aggregate classification (germline): Uncertain significance (1 of 4 stars; one submission).

Conditions:
Progressive sclerosing poliodystrophy (MTDPS4A). Also called: NEURONAL DEGENERATION OF CHILDHOOD WITH LIVER DISEASE, PROGRESSIVE; ALPERS PROGRESSIVE INFANTILE POLIODYSTROPHY; Mitochondrial DNA Depletion Syndrome 4A; Alpers-Huttenlocher Syndrome (AHS); Alpers Syndrome; ALPERS DIFFUSE DEGENERATION OF CEREBRAL GRAY MATTER WITH HEPATIC CIRRHOSIS. Identifiers: Orphanet 726, MedGen C0205710, MONDO:0008758, OMIM 203700.

Allele frequency attached by ClinVar (database versions not stated): TOPMed 0.00001.

Submission:

Labcorp Genetics (formerly Invitae), Labcorp
Classification: Uncertain significance for Progressive sclerosing poliodystrophy. Last evaluated: 2022-02-17. Review status: criteria provided, single submitter. Criteria: Invitae Variant Classification Sherloc (09022015). Collection method: clinical testing. Allele origin: germline.
Comment: This sequence change replaces isoleucine, which is neutral and non-polar, with valine, which is neutral and non-polar, at codon 798 of the POLG protein (p.Ile798Val). This variant is not present in population databases (gnomAD no frequency). This variant has not been reported in the literature in individuals affected with POLG-related conditions. ClinVar contains an entry for this variant (Variation ID: 938627). Algorithms developed to predict the effect of missense changes on protein structure and function output the following: SIFT: "Tolerated"; PolyPhen-2: "Benign"; Align-GVGD: "Class C0". The valine amino acid residue is found in multiple mammalian species, which suggests that this missense change does not adversely affect protein function. In summary, the available evidence is currently insufficient to determine the role of this variant in disease. Therefore, it has been classified as a Variant of Uncertain Significance.

NM_002693.3(POLG):c.2392A>G (p.Ile798Val)

Gene: POLG (DNA polymerase gamma, catalytic subunit; minus strand). Cytogenetic location: 15q26.1.
Variant type: single nucleotide variant.
Coding change: c.2392A>G on transcript NM_002693.3 (MANE Select); coding-DNA position 2392, A replaced by G.
Protein change: p.Ile798Val; replaces isoleucine 798 with valine.
Molecular consequence: missense variant.
Genome position (GRCh38, 1-based): chr15:89,322,776, T>C on the plus strand (A>G on the coding strand, the complement: POLG is on the minus strand). VCF-style: chr15-89322776-T-C. GRCh37 (hg19) VCF-style: chr15-89866007-T-C.
Other names: c.2392A>G, p.Ile798Val (NM_001126131.2); short protein forms I798V.
Identifiers: ClinVar variation 938627 (VCV000938627.6), dbSNP rs796052873, ClinGen allele CA274548487.